The following is an entry in ClinVar:

ClinVar aggregate classification (germline): Uncertain significance (1 of 4 stars; one submission).

Submission:

GeneDx
Classification: Uncertain significance. Last evaluated: 2023-04-20. Review status: criteria provided, single submitter. Criteria: GeneDx Variant Classification Process June 2021. Collection method: clinical testing. Allele origin: germline. Affected: yes.
Comment: Frameshift variant predicted to result in protein truncation or nonsense mediated decay in a gene or region of a gene for which loss of function is not a well-established mechanism of disease; Not observed at significant frequency in large population cohorts (gnomAD); Has not been previously published as pathogenic or benign to our knowledge; Variants in candidate genes are classified as variants of uncertain significance in accordance with ACMG guidelines (Richards et al., 2015)

NM_033026.6(PCLO):c.1569_1581del (p.Pro524fs)

Gene: PCLO (piccolo presynaptic cytomatrix protein; minus strand). Cytogenetic location: 7q21.11.
Variant type: Deletion.
Coding change: c.1569_1581del on transcript NM_033026.6 (MANE Select); coding-DNA positions 1569 to 1581, 13 bases deleted (GCCTGGCTCAACA).
Protein change: p.Pro524fs; shifts the reading frame from proline 524.
Molecular consequence: frameshift variant.
Genome position (GRCh38, 1-based): chr7:83,155,060-83,155,072, TGTTGAGCCAGGC deleted on the plus strand (GCCTGGCTCAACA on the coding strand, the reverse complement: PCLO is on the minus strand); deleting any 13 consecutive bases within chr7:83,155,060-83,155,079 gives the same sequence; the c. name uses the placement nearest the transcript's 3' end. VCF-style (leftmost placement, unchanged base first): chr7-83155059-TTGTTGAGCCAGGC-T. GRCh37 (hg19) VCF-style: chr7-82784375-TTGTTGAGCCAGGC-T.
Other names: c.1569_1581del, p.Pro524fs (NM_014510.3); short protein forms P524fs.
Identifiers: ClinVar variation 3903252 (VCV003903252.1).